The following is an entry in ClinVar:

ClinVar aggregate classification (germline): Benign/Likely benign. Review status: criteria provided, multiple submitters, no conflicts (2 of 4 stars). 5 submissions from 5 submitters: Benign (2); Likely benign (3). Last evaluated 2025-12-24.

Conditions:
Cranioectodermal dysplasia 1 (CED1). Also called: LEVIN SYNDROME I. Identifiers: Orphanet 1515, MedGen C0432235, MONDO:0021093, OMIM 218330.

Allele frequency attached by ClinVar (database versions not stated): gnomAD exomes 0.00039 and 0.00103; ExAC 0.00120; 1000 Genomes Project 0.00240; 1000 Genomes Project 30x 0.00297; gnomAD 0.00395 and 0.00429; ESP Exome Variant Server 0.00423; TOPMed 0.00486.
gnomAD v4.1: 1,202 of 1,614,130 alleles (0.074%); highest among the groups gnomAD compares: African/African-American, 1.3%; 5 homozygotes.

Submissions (5):

Labcorp Genetics (formerly Invitae), Labcorp
Classification: Benign for Cranioectodermal dysplasia 1. Last evaluated: 2025-12-24. Review status: criteria provided, single submitter. Criteria: Invitae Variant Classification Sherloc (09022015). Collection method: clinical testing. Allele origin: germline.

Blueprint Genetics
Classification: Likely benign. Last evaluated: 2024-10-16. Review status: criteria provided, single submitter. Criteria: ACMG Guidelines, 2015. Collection method: clinical testing. Allele origin: germline.

GeneDx
Classification: Likely benign. Last evaluated: 2021-05-12. Review status: criteria provided, single submitter. Criteria: GeneDx Variant Classification Process June 2021. Collection method: clinical testing. Allele origin: germline. Affected: yes.

Illumina Laboratory Services, Illumina
Classification: Benign for Cranioectodermal dysplasia 1. Last evaluated: 2018-01-12. Review status: criteria provided, single submitter. Criteria: ICSL Variant Classification Criteria 13 December 2019. Collection method: clinical testing. Allele origin: germline.
Comment: This variant was observed in the ICSL laboratory as part of a predisposition screen in an ostensibly healthy population. It had not been previously curated by ICSL or reported in the Human Gene Mutation Database (HGMD: prior to June 1st, 2018), and was therefore a candidate for classification through an automated scoring system. Utilizing variant allele frequency, disease prevalence and penetrance estimates, and inheritance mode, an automated score was calculated to assess if this variant is too frequent to cause the disease. Based on the score and internal cut-off values, a variant classified as benign is not then subjected to further curation. The score for this variant resulted in a classification of benign for this disease.

Breakthrough Genomics
Classification: Likely benign. Review status: criteria provided, single submitter. Criteria: ACMG Guidelines, 2015. Collection method: not provided. Allele origin: germline. Inheritance: Autosomal recessive inheritance. Affected: yes.

NM_052989.3(IFT122):c.1113C>T (p.Asp371=)

Gene: IFT122 (intraflagellar transport 122; plus strand). Cytogenetic location: 3q21.3.
Variant type: single nucleotide variant.
Coding change: c.1113C>T on transcript NM_052989.3 (MANE Select); coding-DNA position 1113, C replaced by T.
Protein change: p.Asp371=; no amino-acid change (aspartic acid 371 retained).
Molecular consequence: synonymous variant.
Genome position (GRCh38, 1-based): chr3:129,476,767, C>T. VCF-style: chr3-129476767-C-T. GRCh37 (hg19) VCF-style: chr3-129195610-C-T.
Other names: c.1089C>T, p.Asp363= (NM_001280541.2); c.663C>T, p.Asp221= (NM_001280545.2); c.486C>T, p.Asp162= (NM_001280546.2); c.936C>T, p.Asp312= (NM_018262.4); c.1266C>T, p.Asp422= (NM_052985.4); c.780C>T, p.Asp260= (NM_052990.3).
Identifiers: ClinVar variation 461790 (VCV000461790.18), dbSNP rs139319087, ClinGen allele CA2606069.